The following is an entry in ClinVar:

NM_001042492.3(NF1):c.3639_3640del (p.Met1214fs)

Gene: NF1 (neurofibromin 1; plus strand). Cytogenetic location: 17q11.2.
Variant type: Deletion.
Coding change: c.3639_3640del on transcript NM_001042492.3 (MANE Select); coding-DNA positions 3639 to 3640, 2 bases deleted (AA; older notation c.3639_3640delAA).
Protein change: p.Met1214fs; shifts the reading frame from methionine 1214.
Molecular consequence: frameshift variant.
Genome position (GRCh38, 1-based): chr17:31,233,144-31,233,145, AA deleted. VCF-style (leftmost placement, unchanged base first): chr17-31233143-CAA-C. GRCh37 (hg19) VCF-style: chr17-29560161-CAA-C.
Other names: c.3639_3640delAA, p.Met1214Aspfs (NM_000267.4); c.3639_3640delAA (NM_000267.3); short protein forms M1214fs.
Identifiers: ClinVar variation 1064550 (VCV001064550.7), dbSNP rs2151435662, ClinGen allele CA2499224108.

ClinVar aggregate classification (germline): Pathogenic/Likely pathogenic. Review status: criteria provided, multiple submitters, no conflicts (2 of 4 stars). 4 submissions from 4 submitters: Pathogenic (3); Likely pathogenic (1). Last evaluated 2025-03-26.

Conditions:
Hereditary cancer-predisposing syndrome. Also called: Neoplastic Syndromes, Hereditary; Tumor predisposition; Hereditary Cancer Syndrome; Hereditary neoplastic syndrome. Identifiers: Orphanet 140162, MedGen C0027672, MeSH D009386, MONDO:0015356.
Cardiovascular phenotype. Identifiers: MedGen CN230736.
Neurofibromatosis, type 1 (NF1). Also called: NEUROFIBROMATOSIS, TYPE I, SOMATIC; Neurofibromatosis, type I; Peripheral type neurofibromatosis; VON RECKLINGHAUSEN DISEASE. Identifiers: Orphanet 636, MedGen C0027831, MONDO:0018975, OMIM 162200. Disease mechanism: loss of function.

Submissions (4):

Ambry Genetics
Classification: Pathogenic for Cardiovascular phenotype; Hereditary cancer-predisposing syndrome. Last evaluated: 2025-03-26. Review status: criteria provided, single submitter. Criteria: Ambry Variant Classification Scheme 2023. Collection method: clinical testing. Allele origin: germline.
Comment: The c.3639_3640delAA pathogenic mutation, located in coding exon 27 of the NF1 gene, results from a deletion of two nucleotides at nucleotide positions 3639 to 3640, causing a translational frameshift with a predicted alternate stop codon (p.M1214Dfs*3). This variant is considered to be rare based on population cohorts in the Genome Aggregation Database (gnomAD). This alteration is expected to result in loss of function by premature protein truncation or nonsense-mediated mRNA decay. As such, this alteration is interpreted as a disease-causing mutation.

Dasa
Classification: Likely pathogenic. Last evaluated: 2024-10-22. Review status: criteria provided, single submitter. Criteria: DASA Assertion Criteria. Collection method: clinical testing. Allele origin: germline.
Comment: NM_001042492.3(NF1):c.3639_3640del (p.Met1214Aspfs*3) is a frameshift variant in NF1 predicted to alter the reading frame and introduce a premature termination codon and is predicted to result in an absent or altered protein product. Loss of function is an established disease mechanism for NF1 (PMID: 1757093; PMID: 1302608; PMID: 34427956). Also, this variant is absent from population databases. Based on the currently available evidence, this variant is classified as likely pathogenic.

Labcorp Genetics (formerly Invitae), Labcorp
Classification: Pathogenic for Neurofibromatosis, type 1. Last evaluated: 2023-05-20. Review status: criteria provided, single submitter. Criteria: Invitae Variant Classification Sherloc (09022015). Collection method: clinical testing. Allele origin: germline.
Comment: This sequence change creates a premature translational stop signal (p.Met1214Aspfs*3) in the NF1 gene. It is expected to result in an absent or disrupted protein product. Loss-of-function variants in NF1 are known to be pathogenic (PMID: 10712197, 23913538). For these reasons, this variant has been classified as Pathogenic. ClinVar contains an entry for this variant (Variation ID: 1064550). This variant has not been reported in the literature in individuals affected with NF1-related conditions. This variant is not present in population databases (gnomAD no frequency).

Division of Genomic Medicine, Department of Advanced Medicine, Medical Research Institute, Kanazawa Medical University
Classification: Pathogenic for Neurofibromatosis, type 1. Last evaluated: 2021-02-03. Review status: criteria provided, single submitter. Criteria: ACMG Guidelines, 2015. Collection method: clinical testing. Allele origin: germline. Affected: yes. Observed: 1 variant allele.
Comment: c.3639_3640del is absent from controls (PM1). It is judged to be pathogenic according to ACMG Guidelines, 2015.

Literature cited by the submitters: PubMed 1757093 (cited by Dasa); PubMed 1302608 (cited by Dasa); PubMed 34427956 (cited by Dasa); PubMed 10712197 (cited by Labcorp Genetics (formerly Invitae), Labcorp); PubMed 23913538 (cited by Labcorp Genetics (formerly Invitae), Labcorp).